The following is an entry in ClinVar:

ClinVar aggregate classification (germline): Uncertain significance (1 of 4 stars; one submission).

Conditions:
Immunodeficiency, common variable, 7. Identifiers: Orphanet 1572, Orphanet 696894, MedGen C3542922, MONDO:0013862, OMIM 614699.

Allele frequency attached by ClinVar (database versions not stated): TOPMed below 0.00001.

Submission:

Labcorp Genetics (formerly Invitae), Labcorp
Classification: Uncertain significance for Immunodeficiency, common variable, 7. Last evaluated: 2020-01-24. Review status: criteria provided, single submitter. Criteria: Invitae Variant Classification Sherloc (09022015). Collection method: clinical testing. Allele origin: germline.
Comment: This sequence change replaces tryptophan with cysteine at codon 895 of the CR2 protein (p.Trp895Cys). The tryptophan residue is highly conserved and there is a large physicochemical difference between tryptophan and cysteine. This variant is not present in population databases (ExAC no frequency). In summary, the available evidence is currently insufficient to determine the role of this variant in disease. Therefore, it has been classified as a Variant of Uncertain Significance. Algorithms developed to predict the effect of sequence changes on RNA splicing suggest that this variant may create or strengthen a splice site, but this prediction has not been confirmed by published transcriptional studies. Algorithms developed to predict the effect of missense changes on protein structure and function (SIFT, PolyPhen-2, Align-GVGD) all suggest that this variant is likely to be disruptive, but these predictions have not been confirmed by published functional studies and their clinical significance is uncertain. This variant has not been reported in the literature in individuals with CR2-related disease.

NM_001006658.3(CR2):c.2685G>T (p.Trp895Cys)

Gene: CR2 (complement C3d receptor 2; plus strand). Cytogenetic location: 1q32.2.
Variant type: single nucleotide variant.
Coding change: c.2685G>T on transcript NM_001006658.3 (MANE Select); coding-DNA position 2685, G replaced by T.
Protein change: p.Trp895Cys; replaces tryptophan 895 with cysteine.
Molecular consequence: missense variant.
Genome position (GRCh38, 1-based): chr1:207,475,185, G>T. VCF-style: chr1-207475185-G-T. GRCh37 (hg19) VCF-style: chr1-207648530-G-T.
Other names: c.2508G>T, p.Trp836Cys (NM_001877.5); short protein forms W836C, W895C.
Identifiers: ClinVar variation 660474 (VCV000660474.8), dbSNP rs1301939743, ClinGen allele CA344539455.